The following is an entry in ClinVar:

NM_032383.5(HPS3):c.2796+2T>C

Genes: CP (ceruloplasmin; minus strand), HPS3 (HPS3 biogenesis of lysosomal organelles complex 2 subunit 1; plus strand). Cytogenetic location: 3q24.
Variant type: single nucleotide variant.
Coding change: c.2796+2T>C on transcript NM_032383.5 (MANE Select); the canonical splice donor site of the intron after coding-DNA position 2796, T replaced by C.
Molecular consequence: splice donor variant.
Genome position (GRCh38, 1-based): chr3:149,167,242, T>C. VCF-style: chr3-149167242-T-C. GRCh37 (hg19) VCF-style: chr3-148885029-T-C.
Other names: c.2301+2T>C (NM_001308258.2); c.2796+2T>C (NM_032383.4).
Identifiers: ClinVar variation 1067748 (VCV001067748.11), dbSNP rs1476066527, ClinGen allele CA354926139.
Genomic context (GRCh38, chr3:149,167,242, plus strand): 5'-AGAGATGCCCGGAGGCAGTCATTCCATATGCTAATCATGAACTGAAAGAAGAGAACCGGG[T>C]ATGCTTTTTCAGATTATGTTTTTAGGCTTGATCAGTGATAATCAGATCTGATAACCTCAT-3'

ClinVar aggregate classification (germline): Pathogenic/Likely pathogenic. Review status: criteria provided, multiple submitters, no conflicts (2 of 4 stars). 4 submissions from 4 submitters: Pathogenic (1); Likely pathogenic (2). 1 of the submissions does not count toward it. Last evaluated 2025-12-04.

Conditions:
Hermansky-Pudlak syndrome (HPS). Also called: ALBINISM WITH HEMORRHAGIC DIATHESIS AND PIGMENTED RETICULOENDOTHELIAL CELLS. Identifiers: Orphanet 79430, MedGen C0079504, MONDO:0019312.
HPS3-related disorder. Also called: HPS3-related condition.
Hermansky-Pudlak syndrome 3 (HPS3). Identifiers: Orphanet 231512, Orphanet 79430, MedGen C3888001, MONDO:0013555, OMIM 614072.

Allele frequency attached by ClinVar (database versions not stated): gnomAD exomes below 0.00001; TOPMed below 0.00001; gnomAD 0.00001.
gnomAD v4.1: 2 of 1,608,830 alleles (0.00012%); highest among the groups gnomAD compares: East Asian, 0.0045%; no homozygotes.

Submissions (4):

PreventionGenetics, part of Exact Sciences
Classification: Likely pathogenic for HPS3-related condition. Last evaluated: 2025-12-04. Review status: criteria provided, single submitter. Criteria: ACMG Guidelines, 2015. Collection method: clinical testing. Allele origin: germline.
Comment: The HPS3 c.2796+2T>C variant is predicted to disrupt the GT donor site and interfere with normal splicing. To our knowledge, this variant has not been reported in the literature. This variant is reported in 0.010% of alleles in individuals of East Asian descent in gnomAD. Variants that disrupt the consensus splice donor site in HPS3 are expected to be pathogenic. This variant is interpreted as likely pathogenic.

Labcorp Genetics (formerly Invitae), Labcorp
Classification: Pathogenic. Last evaluated: 2024-12-09. Review status: criteria provided, single submitter. Criteria: Invitae Variant Classification Sherloc (09022015). Collection method: clinical testing. Allele origin: germline.
Comment: This sequence change affects a donor splice site in intron 15 of the HPS3 gene. It is expected to disrupt RNA splicing. Variants that disrupt the donor or acceptor splice site typically lead to a loss of protein function (PMID: 16199547), and loss-of-function variants in HPS3 are known to be pathogenic (PMID: 11590544). This variant is present in population databases (no rsID available, gnomAD 0.01%). Disruption of this splice site has been observed in individual(s) with clinical features of Hermansky-Pudlak syndrome (internal data). In at least one individual the data is consistent with being in trans (on the opposite chromosome) from a pathogenic variant. ClinVar contains an entry for this variant (Variation ID: 1067748). Algorithms developed to predict the effect of sequence changes on RNA splicing suggest that this variant may disrupt the consensus splice site. For these reasons, this variant has been classified as Pathogenic.

Baylor Genetics
Classification: Likely pathogenic for Hermansky-Pudlak syndrome 3. Last evaluated: 2024-02-19. Review status: criteria provided, single submitter. Criteria: ACMG Guidelines, 2015. Collection method: clinical testing. Allele origin: unknown.

Natera, Inc.
Classification: Likely pathogenic for Hermansky-Pudlak syndrome. Last evaluated: 2020-07-17. Review status: no assertion criteria provided. Collection method: clinical testing. Allele origin: germline. Not counted in ClinVar's aggregate classification.

Literature cited by the submitters: PubMed 16199547 (cited by Labcorp Genetics (formerly Invitae), Labcorp); PubMed 11590544 (cited by Labcorp Genetics (formerly Invitae), Labcorp).